The following is an entry in ClinVar:

NM_001375567.1(FOCAD):c.707A>G (p.Asp236Gly)

Gene: FOCAD (focadhesin; plus strand). Cytogenetic location: 9p21.3.
Variant type: single nucleotide variant.
Coding change: c.707A>G on transcript NM_001375567.1 (MANE Select); coding-DNA position 707, A replaced by G.
Protein change: p.Asp236Gly; replaces aspartic acid 236 with glycine.
Molecular consequence: missense variant.
Genome position (GRCh38, 1-based): chr9:20,770,039, A>G. VCF-style: chr9-20770039-A-G. GRCh37 (hg19) VCF-style: chr9-20770038-A-G.
Other names: c.707A>G, p.Asp236Gly (NM_001375568.1, NM_017794.5); c.602A>G, p.Asp201Gly (NM_001375570.1); short protein forms D236G, D201G.
Identifiers: ClinVar variation 3656681 (VCV003656681.2).

ClinVar aggregate classification (germline): Uncertain significance (1 of 4 stars; one submission).

gnomAD v4.1: 1 of 1,613,868 alleles (0.000062%); highest among the groups gnomAD compares: Non-Finnish European, 0.000085%; no homozygotes.

Submission:

Labcorp Genetics (formerly Invitae), Labcorp
Classification: Uncertain significance. Last evaluated: 2024-08-19. Review status: criteria provided, single submitter. Criteria: Invitae Variant Classification Sherloc (09022015). Collection method: clinical testing. Allele origin: germline.
Comment: This sequence change replaces aspartic acid, which is acidic and polar, with glycine, which is neutral and non-polar, at codon 236 of the FOCAD protein (p.Asp236Gly). This variant is not present in population databases (gnomAD no frequency). This variant has not been reported in the literature in individuals affected with FOCAD-related conditions. Experimental studies and prediction algorithms are not available or were not evaluated, and the functional significance of this variant is currently unknown. In summary, the available evidence is currently insufficient to determine the role of this variant in disease. Therefore, it has been classified as a Variant of Uncertain Significance.